The following is an entry in ClinVar:

ClinVar aggregate classification (germline): Uncertain significance. Review status: criteria provided, multiple submitters, no conflicts (2 of 4 stars). 2 submissions from 2 submitters: Uncertain significance (2). Last evaluated 2025-08-26.

Conditions:
Inborn genetic diseases. Identifiers: MedGen C0950123, MeSH D030342.
PHGDH deficiency. Identifiers: Orphanet 79351, MedGen C1866174, MONDO:0011152, OMIM 601815.

Allele frequency attached by ClinVar (database versions not stated): gnomAD exomes below 0.00001; TOPMed below 0.00001; ExAC 0.00001.
gnomAD v4.1: 5 of 1,614,176 alleles (0.00031%); highest among the groups gnomAD compares: Non-Finnish European, 0.00025%; no homozygotes.

Submissions (2):

Ambry Genetics
Classification: Uncertain significance for Inborn genetic diseases. Last evaluated: 2025-08-26. Review status: criteria provided, single submitter. Criteria: Ambry Variant Classification Scheme 2023. Collection method: clinical testing. Allele origin: germline.

Labcorp Genetics (formerly Invitae), Labcorp
Classification: Uncertain significance for PHGDH deficiency. Last evaluated: 2022-07-05. Review status: criteria provided, single submitter. Criteria: Invitae Variant Classification Sherloc (09022015). Collection method: clinical testing. Allele origin: germline.
Comment: This sequence change replaces asparagine, which is neutral and polar, with aspartic acid, which is acidic and polar, at codon 5 of the PHGDH protein (p.Asn5Asp). This variant is present in population databases (rs745781701, gnomAD 0.004%). This variant has not been reported in the literature in individuals affected with PHGDH-related conditions. ClinVar contains an entry for this variant (Variation ID: 1431710). Algorithms developed to predict the effect of missense changes on protein structure and function output the following: SIFT: "Tolerated"; PolyPhen-2: "Benign"; Align-GVGD: "Class C0". The aspartic acid amino acid residue is found in multiple mammalian species, which suggests that this missense change does not adversely affect protein function. Algorithms developed to predict the effect of sequence changes on RNA splicing suggest that this variant may create or strengthen a splice site. In summary, the available evidence is currently insufficient to determine the role of this variant in disease. Therefore, it has been classified as a Variant of Uncertain Significance.

NM_006623.4(PHGDH):c.13A>G (p.Asn5Asp)

Gene: PHGDH (phosphoglycerate dehydrogenase; plus strand). Cytogenetic location: 1p12.
Variant type: single nucleotide variant.
Coding change: c.13A>G on transcript NM_006623.4 (MANE Select); coding-DNA position 13, A replaced by G.
Protein change: p.Asn5Asp; replaces asparagine 5 with aspartic acid.
Molecular consequence: missense variant.
Genome position (GRCh38, 1-based): chr1:119,712,035, A>G. VCF-style: chr1-119712035-A-G. GRCh37 (hg19) VCF-style: chr1-120254658-A-G.
Other names: c.13A>G (NM_006623.3); short protein forms N5D.
Identifiers: ClinVar variation 1431710 (VCV001431710.4), dbSNP rs745781701, ClinGen allele CA1036899.
Genomic context (GRCh38, chr1:119,712,035, plus strand): 5'-CTTAGGTACTTCTACTCACAGCGGCCGATTCCGAGGCCAACTCCAGCAATGGCTTTTGCA[A>G]ATCTGCGGAAAGTGCTCATCAGTGACAGCCTGGACCCTTGCTGCCGGAAGATCTTGCAAG-3'
Protein context (NP_006614.2, residues 1-15): MAFA[Asn5Asp]LRKVLISDSL